The following is an entry in ClinVar:

ClinVar aggregate classification (germline): Likely benign (1 of 4 stars; one submission).

gnomAD v4.1: 15 of 1,613,532 alleles (0.00093%); highest among the groups gnomAD compares: African/African-American, 0.004%; no homozygotes.

Submission:

Mayo Clinic Laboratories, Mayo Clinic
Classification: Likely benign. Last evaluated: 2025-02-10. Review status: criteria provided, single submitter. Criteria: ACMG Guidelines, 2015. Collection method: clinical testing. Allele origin: germline. Observed: 1 variant allele.
Comment: BP4, BP7

NM_182961.4(SYNE1):c.24750T>G (p.Ser8250=)

Gene: SYNE1 (spectrin repeat containing nuclear envelope protein 1; minus strand). Cytogenetic location: 6q25.2.
Variant type: single nucleotide variant.
Coding change: c.24750T>G on transcript NM_182961.4 (MANE Select); coding-DNA position 24750, T replaced by G.
Protein change: p.Ser8250=; no amino-acid change (serine 8250 retained).
Molecular consequence: synonymous variant.
Genome position (GRCh38, 1-based): chr6:152,148,271, A>C on the plus strand (T>G on the coding strand, the complement: SYNE1 is on the minus strand). VCF-style: chr6-152148271-A-C. GRCh37 (hg19) VCF-style: chr6-152469406-A-C.
Other names: p.Ser8179=; c.1356T>G, p.Ser452= (NM_001347701.2); c.1215T>G, p.Ser405= (NM_001347702.2); c.24537T>G, p.Ser8179= (NM_033071.5).
Identifiers: ClinVar variation 4683225 (VCV004683225.1).
Genomic context (GRCh38, chr6:152,148,271, plus strand): 5'-TGACCGCTCGCTCCGGAGGGGCTGAGCGAGCGAGAGGGAGAGATTGGAGGAAGGCTGTGG[A>C]GAAAGCAGGCTGTCTGCAGAGCGGTCGTGCCAGTGCAGGTCCGACAGAGCTGCAGAGTCT-3'
Protein context (NP_892006.3, residues 8240-8260): WHDRSADSLL[Ser8250=]PQPSSNLSLS